The following is an entry in ClinVar:

ClinVar aggregate classification (germline): Pathogenic (0 of 4 stars; one submission).

Conditions:
DYRK1A-related intellectual disability syndrome (MRD7). Also called: DYRK1A Syndrome; Intellectual developmental disorder, autosomal dominant 7. Identifiers: Orphanet 464306, MedGen C5568143, MONDO:0013578, OMIM 614104.

Submission:

Institute of Human Genetics, University of Goettingen
Classification: Pathogenic for DYRK1A-related intellectual disability syndrome. Last evaluated: 2023-04-05. Review status: no assertion criteria provided. Collection method: clinical testing. Allele origin: unknown. Inheritance: Sporadic. Affected: yes.
Comment: de novo, PM6

NM_001347721.2(DYRK1A):c.840dup (p.Pro281fs)

Gene: DYRK1A (dual specificity tyrosine phosphorylation regulated kinase 1A; plus strand). Cytogenetic location: 21q22.13.
Variant type: Duplication.
Coding change: c.840dup on transcript NM_001347721.2 (MANE Select); coding-DNA position 840, one base duplicated (A; older notation c.840dupA).
Protein change: p.Pro281fs; shifts the reading frame from proline 281.
Molecular consequence: frameshift variant.
Genome position (GRCh38, 1-based): chr21:37,490,377, A duplicated; the last of 4 consecutive A bases (chr21:37,490,374-37,490,377); duplicating any one gives the same sequence. VCF-style (leftmost placement, unchanged base first): chr21-37490373-T-TA. GRCh37 (hg19) VCF-style: chr21-38862675-T-TA.
Other names: c.840dup, p.Pro281fs (NM_001347722.2, NM_130436.2); c.753dup, p.Pro252fs (NM_001347723.2); c.867dup, p.Pro290fs (NM_001396.5, NM_101395.2, NM_130438.2); short protein forms P252fs, P281fs, P290fs.
Identifiers: ClinVar variation 1691681 (VCV001691681.4), dbSNP rs2148612955, ClinGen allele CA2573157427.
Genomic context (GRCh38, chr21:37,490,373, plus strand): 5'-AGATGTGCACTGCACTGCTTTTCCTTGCGACTCCAGAACTTAGTATCATTCACTGTGATC[T>TA]AAAACCTGAAAATATCCTTCTTTGTAACCCCAAACGCAGTGCAATCAAGATAGTTGACTT-3'